The following is an entry in ClinVar:

NM_139343.3(BIN1):c.1139C>T (p.Ala380Val)

Gene: BIN1 (bridging integrator 1; minus strand). Cytogenetic location: 2q14.3.
Variant type: single nucleotide variant.
Coding change: c.1139C>T on transcript NM_139343.3 (MANE Select); coding-DNA position 1139, C replaced by T.
Protein change: p.Ala380Val; replaces alanine 380 with valine.
Molecular consequence: missense variant. On other transcripts: intron variant (12).
Genome position (GRCh38, 1-based): chr2:127,054,005, G>A on the plus strand (C>T on the coding strand, the complement: BIN1 is on the minus strand). VCF-style: chr2-127054005-G-A. GRCh37 (hg19) VCF-style: chr2-127811581-G-A.
Other names: c.1046C>T, p.Ala349Val (NM_001320641.2); c.1058C>T, p.Ala353Val (NM_001320642.1); c.1010C>T, p.Ala337Val (NM_139344.3); c.838-3093C>T (NM_001320634.1); c.910-3093C>T (NM_139351.3); c.910-2762C>T (NM_139350.3); c.910-1643C>T (NM_139349.3); c.1039-2762C>T (NM_139348.3); and 7 more; short protein forms A380V, A337V, A349V, A353V.
Identifiers: ClinVar variation 452176 (VCV000452176.2), dbSNP rs1553453967, ClinGen allele CA348377195.
Genomic context (GRCh38, chr2:127,054,005, plus strand): 5'-GGCGGGAGGGGGTCAAAGTCCAGGTCCAGCAGACTGGCCTGCTCCGAGAAAGGCCCCGGG[G>A]CCTCAAACTTGGCAGCAGCAGCAGCAGCAGAGGAGGAAGCAGTTAGTGTTAAGCTGGGAG-3'
Protein context (NP_647593.1, residues 370-390): ISVTTPSQFE[Ala380Val]PGPFSEQASL

ClinVar aggregate classification (germline): Uncertain significance (1 of 4 stars; one submission).

Allele frequency attached by ClinVar (database versions not stated): gnomAD exomes below 0.00001.
gnomAD v4.1: 2 of 1,551,276 alleles (0.00013%); highest among the groups gnomAD compares: Non-Finnish European, 0.00017%; no homozygotes.

Submission:

GeneDx
Classification: Uncertain significance. Last evaluated: 2017-09-29. Review status: criteria provided, single submitter. Criteria: GeneDx Variant Classification (06012015). Collection method: clinical testing. Allele origin: germline. Affected: yes.
Comment: The A380V variant in the BIN1 gene has not been reported previously as a pathogenic variant, nor as a benign variant, to our knowledge. The A380V variant is not observed in large population cohorts (Lek et al., 2016). The A380V variant is a conservative amino acid substitution, which is not likely to impact secondary protein structure as these residues share similar properties. This substitution occurs at a position that is not conserved, and in silico analysis is inconsistent in its predictions as to whether or not the variant is damaging to the protein structure/function. We interpret A380V as a variant of uncertain significance.